The following is an entry in ClinVar:

NM_006946.4(SPTBN2):c.5032G>A (p.Gly1678Ser)

Gene: SPTBN2 (spectrin beta, non-erythrocytic 2; minus strand). Cytogenetic location: 11q13.2.
Variant type: single nucleotide variant.
Coding change: c.5032G>A on transcript NM_006946.4 (MANE Select); coding-DNA position 5032, G replaced by A.
Protein change: p.Gly1678Ser; replaces glycine 1678 with serine.
Molecular consequence: missense variant.
Genome position (GRCh38, 1-based): chr11:66,692,694, C>T on the plus strand (G>A on the coding strand, the complement: SPTBN2 is on the minus strand). VCF-style: chr11-66692694-C-T. GRCh37 (hg19) VCF-style: chr11-66460165-C-T.
Other names: p.Gly1678Ser; c.5032G>A (NM_006946.3); short protein forms G1678S.
Identifiers: ClinVar variation 805361 (VCV000805361.12), dbSNP rs768814631, ClinGen allele CA6128386.
Genomic context (GRCh38, chr11:66,692,694, plus strand): 5'-GGCACAGCCGGAGGTGCTCCTGCAGGCGCTCCCGCCGCTCTCCAGCCAGCTCCTTCAGGC[C>T]GGCATACAGCTTGTCCACCTGGGCTTGGCGGATGGATATCCGAGTGCTGCAAGAAGAGTG-3'
Protein context (NP_008877.2, residues 1668-1688): RQAQVDKLYA[Gly1678Ser]LKELAGERRE

ClinVar aggregate classification (germline): Conflicting classifications of pathogenicity. Review status: criteria provided, conflicting classifications (1 of 4 stars). 5 submissions from 5 submitters: Uncertain significance (4); Likely benign (1). Last evaluated 2025-05-05.

Conditions:
Inborn genetic diseases. Identifiers: MedGen C0950123, MeSH D030342.

Allele frequency attached by ClinVar (database versions not stated): gnomAD 0.00001; gnomAD exomes 0.00001; ExAC 0.00002; TOPMed 0.00002.
gnomAD v4.1: 42 of 1,604,336 alleles (0.0026%); highest among the groups gnomAD compares: Non-Finnish European, 0.0033%; no homozygotes.

Submissions (5):

Ambry Genetics
Classification: Likely benign for Inborn genetic diseases. Last evaluated: 2025-05-05. Review status: criteria provided, single submitter. Criteria: Ambry Variant Classification Scheme 2023. Collection method: clinical testing. Allele origin: germline.

Mayo Clinic Laboratories, Mayo Clinic
Classification: Uncertain significance. Last evaluated: 2025-04-22. Review status: criteria provided, single submitter. Criteria: ACMG Guidelines, 2015. Collection method: clinical testing. Allele origin: germline. Observed: 1 variant allele.
Comment: BP4_moderate

GeneDx
Classification: Uncertain significance. Last evaluated: 2024-12-10. Review status: criteria provided, single submitter. Criteria: GeneDx Variant Classification Process June 2021. Collection method: clinical testing. Allele origin: germline. Affected: yes.
Comment: Not observed at significant frequency in large population cohorts (gnomAD); In silico analysis supports that this missense variant has a deleterious effect on protein structure/function; Has not been previously published as pathogenic or benign to our knowledge

Athena Diagnostics
Classification: Uncertain significance. Last evaluated: 2022-05-16. Review status: criteria provided, single submitter. Criteria: Athena Diagnostics Criteria. Collection method: clinical testing. Allele origin: unknown.

Labcorp Genetics (formerly Invitae), Labcorp
Classification: Uncertain significance. Last evaluated: 2021-05-07. Review status: criteria provided, single submitter. Criteria: Invitae Variant Classification Sherloc (09022015). Collection method: clinical testing. Allele origin: germline.
Comment: This variant is present in population databases (rs768814631, ExAC 0.003%). This variant has not been reported in the literature in individuals with SPTBN2-related conditions. ClinVar contains an entry for this variant (Variation ID: 805361). This sequence change replaces glycine with serine at codon 1678 of the SPTBN2 protein (p.Gly1678Ser). The glycine residue is moderately conserved and there is a small physicochemical difference between glycine and serine. Advanced modeling of protein sequence and biophysical properties (such as structural, functional, and spatial information, amino acid conservation, physicochemical variation, residue mobility, and thermodynamic stability) performed at Invitae indicates that this missense variant is not expected to disrupt SPTBN2 protein function. In summary, the available evidence is currently insufficient to determine the role of this variant in disease. Therefore, it has been classified as a Variant of Uncertain Significance.